The following is an entry in ClinVar:

ClinVar aggregate classification (germline): Likely benign. Review status: criteria provided, single submitter (1 of 4 stars). 2 submissions from 2 submitters: Likely benign (1). 1 of the submissions does not count toward it. Last evaluated 2024-10-30.

Conditions:
Emery-Dreifuss muscular dystrophy 5, autosomal dominant (EDMD5). Also called: EMERY-DREIFUSS MUSCULAR DYSTROPHY 5. Identifiers: Orphanet 261, MedGen C2751805, MONDO:0013072, OMIM 612999.
SYNE2-related disorder. Also called: SYNE2-related condition.

Allele frequency attached by ClinVar (database versions not stated): gnomAD exomes 0.00003 and 0.00008; ExAC 0.00009; 1000 Genomes Project 0.00020; ESP Exome Variant Server 0.00025; 1000 Genomes Project 30x 0.00031; gnomAD 0.00038 and 0.00043; TOPMed 0.00039.
gnomAD v4.1: 95 of 1,614,032 alleles (0.0059%); highest among the groups gnomAD compares: African/African-American, 0.12%; no homozygotes.

Submissions (2):

Labcorp Genetics (formerly Invitae), Labcorp
Classification: Likely benign for Emery-Dreifuss muscular dystrophy 5, autosomal dominant. Last evaluated: 2024-10-30. Review status: criteria provided, single submitter. Criteria: Invitae Variant Classification Sherloc (09022015). Collection method: clinical testing. Allele origin: germline.

PreventionGenetics, part of Exact Sciences
Classification: Likely benign for SYNE2-related condition. Last evaluated: 2023-01-05. Review status: no assertion criteria provided. Collection method: clinical testing. Allele origin: germline. Not counted in ClinVar's aggregate classification.
Comment: This variant is classified as likely benign based on ACMG/AMP sequence variant interpretation guidelines (Richards et al. 2015 PMID: 25741868, with internal and published modifications).

NM_182914.3(SYNE2):c.1356A>C (p.Glu452Asp)

Gene: SYNE2 (spectrin repeat containing nuclear envelope protein 2; plus strand). Cytogenetic location: 14q23.2.
Variant type: single nucleotide variant.
Coding change: c.1356A>C on transcript NM_182914.3 (MANE Select); coding-DNA position 1356, A replaced by C.
Protein change: p.Glu452Asp; replaces glutamic acid 452 with aspartic acid.
Molecular consequence: missense variant.
Genome position (GRCh38, 1-based): chr14:63,977,967, A>C. VCF-style: chr14-63977967-A-C. GRCh37 (hg19) VCF-style: chr14-64444685-A-C.
Other names: c.1356A>C, p.Glu452Asp (NM_015180.6); short protein forms E452D.
Identifiers: ClinVar variation 702113 (VCV000702113.13), dbSNP rs199748407, ClinGen allele CA7219415.